The following is an entry in ClinVar:

ClinVar aggregate classification (germline): Uncertain significance (1 of 4 stars; one submission).

gnomAD v4.1: 1 of 1,206,269 alleles (0.000083%); highest among the groups gnomAD compares: East Asian, 0.003%; no homozygotes.

Submission:

GeneDx
Classification: Uncertain significance. Last evaluated: 2025-04-20. Review status: criteria provided, single submitter. Criteria: GeneDx Variant Classification Process June 2021. Collection method: clinical testing. Allele origin: germline. Affected: yes.
Comment: Not observed at significant frequency in large population cohorts (gnomAD); In silico analysis indicates that this missense variant does not alter protein structure/function; Has not been previously published as pathogenic or benign to our knowledge

NM_000052.7(ATP7A):c.637A>C (p.Ile213Leu)

Gene: ATP7A (ATPase copper transporting alpha; plus strand). Cytogenetic location: Xq21.1.
Variant type: single nucleotide variant.
Coding change: c.637A>C on transcript NM_000052.7 (MANE Select); coding-DNA position 637, A replaced by C.
Protein change: p.Ile213Leu; replaces isoleucine 213 with leucine.
Molecular consequence: missense variant.
Genome position (GRCh38, 1-based): chrX:77,989,259, A>C. VCF-style: chrX-77989259-A-C. GRCh37 (hg19) VCF-style: chrX-77244755-A-C.
Other names: c.637A>C, p.Ile213Leu (NM_001282224.2); short protein forms I213L.
Identifiers: ClinVar variation 4281824 (VCV004281824.1).
Genomic context (GRCh38, chrX:77,989,259, plus strand): 5'-AACTGAATTAATTATATTTCTTTTTATTAACTAGTCTCCCTGGACAATCAAGAAGCTACT[A>C]TTGTTTATCAACCTCATCTTATCTCAGTAGAGGAAATGAAAAAGCAGATTGAAGCTATGG-3'
Protein context (NP_000043.4, residues 203-223): KVSLDNQEAT[Ile213Leu]VYQPHLISVE